The following is an entry in ClinVar:

NM_006947.4(SRP72):c.*732A>G

Gene: SRP72 (signal recognition particle 72; plus strand). Cytogenetic location: 4q12.
Variant type: single nucleotide variant.
Coding change: c.*732A>G on transcript NM_006947.4 (MANE Select); 732 bases downstream of the stop codon, A replaced by G.
Molecular consequence: 3 prime UTR variant. On other transcripts: non-coding transcript variant (1).
Genome position (GRCh38, 1-based): chr4:56,502,593, A>G. VCF-style: chr4-56502593-A-G. GRCh37 (hg19) VCF-style: chr4-57368759-A-G.
Other names: c.*732A>G (NM_001267722.2).
Identifiers: ClinVar variation 349155 (VCV000349155.6), dbSNP rs14211, ClinGen allele CA10617990.

ClinVar aggregate classification (germline): Benign. Review status: criteria provided, multiple submitters, no conflicts (2 of 4 stars). 2 submissions from 2 submitters: Benign (2). Last evaluated 2018-01-13.

Conditions:
Autosomal dominant aplasia and myelodysplasia. Also called: Bone marrow failure syndrome 1. Identifiers: Orphanet 314399, MedGen C3808553, MONDO:0013851, OMIM 614675.

Allele frequency attached by ClinVar (database versions not stated): gnomAD 0.19317 and 0.19623; TOPMed 0.20418; 1000 Genomes Project 0.22764; 1000 Genomes Project 30x 0.23157.

Submissions (2):

Illumina Laboratory Services, Illumina
Classification: Benign for Autosomal dominant aplasia and myelodysplasia. Last evaluated: 2018-01-13. Review status: criteria provided, single submitter. Criteria: ICSL Variant Classification Criteria 13 December 2019. Collection method: clinical testing. Allele origin: germline.
Comment: This variant was observed in the ICSL laboratory as part of a predisposition screen in an ostensibly healthy population. It had not been previously curated by ICSL or reported in the Human Gene Mutation Database (HGMD: prior to June 1st, 2018), and was therefore a candidate for classification through an automated scoring system. Utilizing variant allele frequency, disease prevalence and penetrance estimates, and inheritance mode, an automated score was calculated to assess if this variant is too frequent to cause the disease. Based on the score and internal cut-off values, a variant classified as benign is not then subjected to further curation. The score for this variant resulted in a classification of benign for this disease.

Breakthrough Genomics
Classification: Benign. Review status: criteria provided, single submitter. Criteria: ACMG Guidelines, 2015. Collection method: not provided. Allele origin: germline. Inheritance: Autosomal dominant inheritance. Affected: yes.